The following is an entry in ClinVar:

ClinVar aggregate classification (germline): Uncertain significance (1 of 4 stars; one submission).

Submission:

Labcorp Genetics (formerly Invitae), Labcorp
Classification: Uncertain significance. Last evaluated: 2021-06-17. Review status: criteria provided, single submitter. Criteria: Invitae Variant Classification Sherloc (09022015). Collection method: clinical testing. Allele origin: germline.
Comment: In summary, the available evidence is currently insufficient to determine the role of this variant in disease. Therefore, it has been classified as a Variant of Uncertain Significance. Algorithms developed to predict the effect of missense changes on protein structure and function (SIFT, PolyPhen-2, Align-GVGD) all suggest that this variant is likely to be tolerated, but these predictions have not been confirmed by published functional studies and their clinical significance is uncertain. This variant has not been reported in the literature in individuals with PEX3-related conditions. This variant is not present in population databases (ExAC no frequency). This sequence change replaces leucine with methionine at codon 200 of the PEX3 protein (p.Leu200Met). The leucine residue is highly conserved and there is a small physicochemical difference between leucine and methionine.

NM_003630.3(PEX3):c.598T>A (p.Leu200Met)

Gene: PEX3 (peroxisomal biogenesis factor 3; plus strand). Cytogenetic location: 6q24.2.
Variant type: single nucleotide variant.
Coding change: c.598T>A on transcript NM_003630.3 (MANE Select); coding-DNA position 598, T replaced by A.
Protein change: p.Leu200Met; replaces leucine 200 with methionine.
Molecular consequence: missense variant.
Genome position (GRCh38, 1-based): chr6:143,472,179, T>A. VCF-style: chr6-143472179-T-A. GRCh37 (hg19) VCF-style: chr6-143793316-T-A.
Other names: short protein forms L200M.
Identifiers: ClinVar variation 1416239 (VCV001416239.8), dbSNP rs2128746813, ClinGen allele CA365912075.
Genomic context (GRCh38, chr6:143,472,179, plus strand): 5'-ATAGTTTCTATTTATCCCAATTCCCTTTTCTCTGTTTCTAGTGTTTCTCTTAAACATTCT[T>A]TGTCCCTTTTGGACTTGGAGCAAAAACTAAAAGAAATCAGAAATCTCGTTGAGCAGCATA-3'
Protein context (NP_003621.1, residues 190-210): VLGSVSLKHS[Leu200Met]SLLDLEQKLK